The following is an entry in ClinVar:

NM_006924.5(SRSF1):c.478G>A (p.Val160Met)

Genes: SRSF1 (serine and arginine rich splicing factor 1; minus strand), LOC126862603 (BRD4-independent group 4 enhancer GRCh37_chr17:56082218-56083417; plus strand). Cytogenetic location: 17q22.
Variant type: single nucleotide variant.
Coding change: c.478G>A on transcript NM_006924.5 (MANE Select); coding-DNA position 478, G replaced by A.
Protein change: p.Val160Met; replaces valine 160 with methionine.
Molecular consequence: missense variant. On other transcripts: non-coding transcript variant (1).
Genome position (GRCh38, 1-based): chr17:58,005,875, C>T on the plus strand (G>A on the coding strand, the complement: SRSF1 is on the minus strand). VCF-style: chr17-58005875-C-T. GRCh37 (hg19) VCF-style: chr17-56083236-C-T.
Other names: c.478G>A, p.Val160Met (NM_001078166.2); short protein forms V160M.
Identifiers: ClinVar variation 2429781 (VCV002429781.4), dbSNP rs2509285683, ClinGen allele CA399945972.

ClinVar aggregate classification (germline): Pathogenic/Likely pathogenic. Review status: criteria provided, multiple submitters, no conflicts (2 of 4 stars). 3 submissions from 3 submitters: Pathogenic (1); Likely pathogenic (1). 1 of the submissions does not count toward it. Last evaluated 2024-03-19.

Conditions:
Neurodevelopmental disorder with dysmorphic facies and behavioral abnormalities (NEDFBA). Identifiers: MedGen C5882684, MONDO:0957583, OMIM 620489.
Intellectual disability. Also called: Intellectual functioning disability; intellectual disabilities; Intellectual developmental disorder. Identifiers: MedGen C3714756, MeSH D008607, MONDO:0001071, HP:0001249.
Neurodevelopmental delay. Identifiers: MedGen C4022738, HP:0012758.

Submissions (3):

Pittsburgh Clinical Genomics Laboratory, University of Pittsburgh Medical Center
Classification: Likely pathogenic for Neurodevelopmental disorder with dysmorphic facies and behavioral abnormalities. Last evaluated: 2024-03-19. Review status: criteria provided, single submitter. Criteria: ACMG Guidelines, 2015. Collection method: clinical testing. Allele origin: germline. Inheritance: Autosomal dominant inheritance. Affected: yes.
Comment: This sequence variant is a single nucleotide substitution (G>A) at position 478 of the coding sequence of the SRSF1 gene that results in a valine to methionine amino acid change at residue 160 of the serine and arginine rich splicing factor 1 protein. The 160 residue falls in the RRM 2 domain (UniProt). This is a previously reported variant (ClinVar 2429781) that has been observed in individuals affected by a neurodevelopmental disorder (PMID: 37071997, 35468861). This variant is absent from the gnomAD population database v4.0.0 (0 of approximately 780,000 alleles). Multiple bioinformatic tools predict that this amino acid change would be damaging, and the Val160 residue at this position is highly conserved across the vertebrate species examined. When introduced into Drosophilia, this variant disrupted serine and arginine rich splicing factor 1 protein's function (PMID: 37071997). Based upon the evidence, we consider this variant to be likely pathogenic. ACMG Criteria: PM2, PP2, PP3

Equipe Genetique des Anomalies du Developpement, Université de Bourgogne
Classification: Pathogenic for Neurodevelopmental delay; Intellectual disability. Last evaluated: 2023-02-15. Review status: criteria provided, single submitter. Criteria: ACMG Guidelines, 2015. Collection method: clinical testing. Allele origin: de novo. Affected: yes. Observed: 3 variant alleles.

OMIM
Classification: Pathogenic for NEURODEVELOPMENTAL DISORDER WITH DYSMORPHIC FACIES AND BEHAVIORAL ABNORMALITIES. Last evaluated: 2023-08-29. Review status: no assertion criteria provided. Collection method: literature only. Allele origin: germline. Not counted in ClinVar's aggregate classification.

Literature cited by the submitters: PubMed 37071997 (cited by 3 submitters); PubMed 35468861 (cited by Pittsburgh Clinical Genomics Laboratory, University of Pittsburgh Medical Center).